The following is an entry in ClinVar:

NM_032578.4(MYPN):c.2354T>A (p.Leu785His)

Gene: MYPN (myopalladin; plus strand). Cytogenetic location: 10q21.3.
Variant type: single nucleotide variant.
Coding change: c.2354T>A on transcript NM_032578.4 (MANE Select); coding-DNA position 2354, T replaced by A.
Protein change: p.Leu785His; replaces leucine 785 with histidine.
Molecular consequence: missense variant. On other transcripts: non-coding transcript variant (2).
Genome position (GRCh38, 1-based): chr10:68,174,446, T>A. VCF-style: chr10-68174446-T-A. GRCh37 (hg19) VCF-style: chr10-69934203-T-A.
Other names: c.2354T>A, p.Leu785His (NM_001256267.2); c.1472T>A, p.Leu491His (NM_001256268.2); c.2354T>A (NM_032578.2); short protein forms L491H, L785H.
Identifiers: ClinVar variation 1440911 (VCV001440911.7), dbSNP rs758614811, ClinGen allele CA5522776.

ClinVar aggregate classification (germline): Uncertain significance. Review status: criteria provided, multiple submitters, no conflicts (2 of 4 stars). 2 submissions from 2 submitters: Uncertain significance (2). Last evaluated 2024-06-03.

Conditions:
Dilated cardiomyopathy 1KK (CMD1KK). Identifiers: Orphanet 154, Orphanet 75249, MedGen C3714995, MONDO:0014100, OMIM 615248.
Cardiovascular phenotype. Identifiers: MedGen CN230736.

Allele frequency attached by ClinVar (database versions not stated): gnomAD exomes below 0.00001; ExAC 0.00001.
gnomAD v4.1: 2 of 1,614,036 alleles (0.00012%); highest among the groups gnomAD compares: South Asian, 0.0022%; no homozygotes.

Submissions (2):

Ambry Genetics
Classification: Uncertain significance for Cardiovascular phenotype. Last evaluated: 2024-06-03. Review status: criteria provided, single submitter. Criteria: Ambry Variant Classification Scheme 2023. Collection method: clinical testing. Allele origin: germline.
Comment: The p.L785H variant (also known as c.2354T>A), located in coding exon 10 of the MYPN gene, results from a T to A substitution at nucleotide position 2354. The leucine at codon 785 is replaced by histidine, an amino acid with similar properties. This amino acid position is conserved. In addition, this alteration is predicted to be tolerated by in silico analysis. Based on the available evidence, the clinical significance of this variant remains unclear.

Labcorp Genetics (formerly Invitae), Labcorp
Classification: Uncertain significance for Dilated cardiomyopathy 1KK. Last evaluated: 2021-04-21. Review status: criteria provided, single submitter. Criteria: Invitae Variant Classification Sherloc (09022015). Collection method: clinical testing. Allele origin: germline.
Comment: In summary, the available evidence is currently insufficient to determine the role of this variant in disease. Therefore, it has been classified as a Variant of Uncertain Significance. Algorithms developed to predict the effect of missense changes on protein structure and function (SIFT, PolyPhen-2, Align-GVGD) all suggest that this variant is likely to be tolerated, but these predictions have not been confirmed by published functional studies and their clinical significance is uncertain. This variant has not been reported in the literature in individuals with MYPN-related conditions. This variant is present in population databases (rs758614811, ExAC 0.006%). This sequence change replaces leucine with histidine at codon 785 of the MYPN protein (p.Leu785His). The leucine residue is weakly conserved and there is a moderate physicochemical difference between leucine and histidine.